The following is an entry in ClinVar:

ClinVar aggregate classification (germline): Uncertain significance (1 of 4 stars; one submission).

Conditions:
Cardiac valvular defect, developmental (CVDP1). Also called: CARDIAC VALVULAR DYSPLASIA 1. Identifiers: MedGen C5774175, MONDO:0008913, OMIM 212093.

gnomAD v4.1: 23 of 1,607,584 alleles (0.0014%); highest among the groups gnomAD compares: Non-Finnish European, 0.002%; no homozygotes.

Submission:

Juno Genomics, Hangzhou Juno Genomics, Inc
Classification: Uncertain significance for Cardiac valvular defect, developmental. Review status: criteria provided, single submitter. Criteria: ACMG Guidelines, 2015. Collection method: clinical testing. Allele origin: germline.
Comment: Null variant in a gene where loss of function (LOF) is a known mechanism of disease.;Absent from controls (or at extremely low frequency if recessive) in Genome Aggregation Database.

NM_002662.5(PLD1):c.2977C>T (p.Arg993Ter)

Gene: PLD1 (phospholipase D1; minus strand). Cytogenetic location: 3q26.31.
Variant type: single nucleotide variant.
Coding change: c.2977C>T on transcript NM_002662.5 (MANE Select); coding-DNA position 2977, C replaced by T.
Protein change: p.Arg993Ter; replaces arginine 993 with a stop codon.
Molecular consequence: nonsense.
Genome position (GRCh38, 1-based): chr3:171,605,322, G>A on the plus strand (C>T on the coding strand, the complement: PLD1 is on the minus strand). VCF-style: chr3-171605322-G-A. GRCh37 (hg19) VCF-style: chr3-171323112-G-A.
Other names: c.2863C>T, p.Arg955Ter (NM_001130081.3); short protein forms R955*, R993*.
Identifiers: ClinVar variation 5006583 (VCV005006583.2).